The following is an entry in ClinVar:

ClinVar aggregate classification (germline): Uncertain significance. Review status: criteria provided, multiple submitters, no conflicts (2 of 4 stars). 2 submissions from 2 submitters: Uncertain significance (2). Last evaluated 2023-06-16.

Allele frequency attached by ClinVar (database versions not stated): gnomAD 0.00001; gnomAD exomes 0.00001; ExAC 0.00002.

Submissions (2):

Mayo Clinic Laboratories, Mayo Clinic
Classification: Uncertain significance. Last evaluated: 2023-06-16. Review status: criteria provided, single submitter. Criteria: ACMG Guidelines, 2015. Collection method: clinical testing. Allele origin: germline. Observed: 1 variant allele.
Comment: PP3, PM2

CeGaT Center for Human Genetics Tuebingen
Classification: Uncertain significance. Last evaluated: 2018-01-01. Review status: criteria provided, single submitter. Criteria: CeGaT Center For Human Genetics Tuebingen Variant Classification Criteria Version 2. Collection method: clinical testing. Allele origin: germline. Affected: yes. Observed: 1 variant allele.

NM_005566.4(LDHA):c.284C>T (p.Thr95Met)

Gene: LDHA (lactate dehydrogenase A; plus strand). Cytogenetic location: 11p15.1.
Variant type: single nucleotide variant.
Coding change: c.284C>T on transcript NM_005566.4 (MANE Select); coding-DNA position 284, C replaced by T.
Protein change: p.Thr95Met; replaces threonine 95 with methionine.
Molecular consequence: missense variant. On other transcripts: non-coding transcript variant (1), intron variant (1).
Genome position (GRCh38, 1-based): chr11:18,400,876, C>T. VCF-style: chr11-18400876-C-T. GRCh37 (hg19) VCF-style: chr11-18422423-C-T.
Other names: p.Thr95Met; c.371C>T, p.Thr124Met (NM_001165414.2); c.284C>T, p.Thr95Met (NM_001165415.2, NM_001165416.2); c.244+1328C>T (NM_001135239.2); short protein forms T95M, T124M.
Identifiers: ClinVar variation 806629 (VCV000806629.43), dbSNP rs201530363, ClinGen allele CA5911259.